The following is an entry in ClinVar:

NM_000257.4(MYH7):c.193T>C (p.Tyr65His)

Gene: MYH7 (myosin heavy chain 7; minus strand). Cytogenetic location: 14q11.2.
Variant type: single nucleotide variant.
Coding change: c.193T>C on transcript NM_000257.4 (MANE Select); coding-DNA position 193, T replaced by C.
Protein change: p.Tyr65His; replaces tyrosine 65 with histidine.
Molecular consequence: missense variant.
Genome position (GRCh38, 1-based): chr14:23,433,540, A>G on the plus strand (T>C on the coding strand, the complement: MYH7 is on the minus strand). VCF-style: chr14-23433540-A-G. GRCh37 (hg19) VCF-style: chr14-23902749-A-G.
Other names: short protein forms Y65H.
Identifiers: ClinVar variation 1331750 (VCV001331750.7), dbSNP rs2138686468, ClinGen allele CA389053606.

ClinVar aggregate classification (germline): Conflicting classifications of pathogenicity. Review status: criteria provided, conflicting classifications (1 of 4 stars). 4 submissions from 4 submitters: Uncertain significance (2); Likely benign (2). Last evaluated 2025-01-27.

Conditions:
Cardiomyopathy (CMYO). Also called: Cardiomyopathies. Identifiers: Orphanet 167848, MedGen C0878544, MONDO:0004994, HP:0001638. Inheritance: Various modes of inheritance.
Cardiovascular phenotype. Identifiers: MedGen CN230736.
Hypertrophic cardiomyopathy. Also called: HYPERTROPHIC MYOCARDIOPATHY. Identifiers: Orphanet 217569, MedGen C0007194, MeSH D002312, MONDO:0005045, HP:0001639.

Allele frequency attached by ClinVar (database versions not stated): gnomAD exomes 0.00001.
gnomAD v4.1: 13 of 1,613,938 alleles (0.00081%); highest among the groups gnomAD compares: Non-Finnish European, 0.0011%; no homozygotes.

Submissions (4):

Ambry Genetics
Classification: Likely benign for Cardiovascular phenotype. Last evaluated: 2025-01-27. Review status: criteria provided, single submitter. Criteria: Ambry Variant Classification Scheme 2023. Collection method: clinical testing. Allele origin: germline.

Color Diagnostics, LLC DBA Color Health
Classification: Likely benign for Cardiomyopathy. Last evaluated: 2024-08-30. Review status: criteria provided, single submitter. Criteria: ACMG Guidelines, 2015. Collection method: clinical testing. Allele origin: germline.

Women's Health and Genetics/Laboratory Corporation of America, LabCorp
Classification: Uncertain significance. Last evaluated: 2023-12-18. Review status: criteria provided, single submitter. Criteria: LabCorp Variant Classification Summary - May 2015. Collection method: clinical testing. Allele origin: germline.
Comment: Variant summary: MYH7 c.193T>C (p.Tyr65His) results in a conservative amino acid change in the encoded protein sequence. Five of five in-silico tools predict a benign effect of the variant on protein function. The variant was absent in 251254 control chromosomes. The available data on variant occurrences in the general population are insufficient to allow any conclusion about variant significance. c.193T>C has been reported in the literature in individual affected with ARVC/D in which the variant did not segregate with disease in the family (Chen_2022). This report does not provide unequivocal conclusions about association of the variant with Cardiomyopathy. To our knowledge, no experimental evidence demonstrating an impact on protein function has been reported. The following publication have been ascertained in the context of this evaluation (PMID: 35526016). One submitter has cited clinical-significance assessments for this variant to ClinVar after 2014 and has classified the variant as likely benign. Based on the evidence outlined above, the variant was classified as uncertain significance.

Labcorp Genetics (formerly Invitae), Labcorp
Classification: Uncertain significance for Hypertrophic cardiomyopathy. Last evaluated: 2023-10-08. Review status: criteria provided, single submitter. Criteria: Invitae Variant Classification Sherloc (09022015). Collection method: clinical testing. Allele origin: germline.
Comment: This sequence change replaces tyrosine, which is neutral and polar, with histidine, which is basic and polar, at codon 65 of the MYH7 protein (p.Tyr65His). This variant is not present in population databases (gnomAD no frequency). This variant has not been reported in the literature in individuals affected with MYH7-related conditions. ClinVar contains an entry for this variant (Variation ID: 1331750). Advanced modeling of protein sequence and biophysical properties (such as structural, functional, and spatial information, amino acid conservation, physicochemical variation, residue mobility, and thermodynamic stability) performed at Invitae indicates that this missense variant is not expected to disrupt MYH7 protein function. In summary, the available evidence is currently insufficient to determine the role of this variant in disease. Therefore, it has been classified as a Variant of Uncertain Significance.

Literature cited by the submitters: PubMed 35526016 (cited by Ambry Genetics and Women's Health and Genetics/Laboratory Corporation of America, LabCorp).